The following is an entry in ClinVar:

ClinVar aggregate classification (germline): Uncertain significance (1 of 4 stars; one submission).

Conditions:
Dilated cardiomyopathy 1G (CMD1G). Identifiers: Orphanet 154, MedGen C1858763, MONDO:0011400, OMIM 604145.
Autosomal recessive limb-girdle muscular dystrophy type 2J (LGMDR10). Also called: Limb-girdle muscular dystrophy, type 2J; MUSCULAR DYSTROPHY, LIMB-GIRDLE, AUTOSOMAL RECESSIVE 10. Identifiers: Orphanet 140922, MedGen C1837342, MONDO:0012127, OMIM 608807.

Submission:

Labcorp Genetics (formerly Invitae), Labcorp
Classification: Uncertain significance for Dilated cardiomyopathy 1G; Autosomal recessive limb-girdle muscular dystrophy type 2J. Last evaluated: 2025-01-07. Review status: criteria provided, single submitter. Criteria: Invitae Variant Classification Sherloc (09022015). Collection method: clinical testing. Allele origin: germline.
Comment: This sequence change replaces serine, which is neutral and polar, with proline, which is neutral and non-polar, at codon 34220 of the TTN protein (p.Ser34220Pro). This variant is not present in population databases (gnomAD no frequency). This variant has not been reported in the literature in individuals affected with TTN-related conditions. Experimental studies and prediction algorithms are not available or were not evaluated, and the functional significance of this variant is currently unknown. This variant is located in the M band of TTN (PMID: 25589632). Non-truncating variants in this region may be relevant for neuromuscular disorders, but have not been definitively shown to cause cardiomyopathy (PMID: 23975875). In summary, the available evidence is currently insufficient to determine the role of this variant in disease. Therefore, it has been classified as a Variant of Uncertain Significance.

Literature cited by the submitters: PubMed 25589632; PubMed 23975875.

NM_001267550.2(TTN):c.102658T>C (p.Ser34220Pro)

Genes: TTN-AS1 (TTN antisense RNA 1; plus strand), TTN (titin; minus strand). Cytogenetic location: 2q31.2.
Variant type: single nucleotide variant.
Coding change: c.102658T>C on transcript NM_001267550.2 (MANE Select); coding-DNA position 102658, T replaced by C.
Protein change: p.Ser34220Pro; replaces serine 34220 with proline.
Molecular consequence: missense variant.
Genome position (GRCh38, 1-based): chr2:178,533,957, A>G on the plus strand (T>C on the coding strand, the complement: TTN is on the minus strand). VCF-style: chr2-178533957-A-G. GRCh37 (hg19) VCF-style: chr2-179398684-A-G.
Other names: c.97735T>C, p.Ser32579Pro (NM_001256850.1); c.75463T>C, p.Ser25155Pro (NM_003319.4); c.94954T>C, p.Ser31652Pro (NM_133378.4); c.75838T>C, p.Ser25280Pro (NM_133432.3); c.76039T>C, p.Ser25347Pro (NM_133437.4); short protein forms S25155P, S25280P, S25347P, S31652P, S32579P, S34220P.
Identifiers: ClinVar variation 3760263 (VCV003760263.2).